The following is an entry in ClinVar:

ClinVar aggregate classification (germline): Uncertain significance (1 of 4 stars; one submission).

Allele frequency attached by ClinVar (database versions not stated): gnomAD exomes below 0.00001; TOPMed below 0.00001; ExAC 0.00001.
gnomAD v4.1: 5 of 1,613,968 alleles (0.00031%); highest among the groups gnomAD compares: Non-Finnish European, 0.00034%; no homozygotes.

Submission:

GeneDx
Classification: Uncertain significance. Last evaluated: 2023-03-16. Review status: criteria provided, single submitter. Criteria: GeneDx Variant Classification Process June 2021. Collection method: clinical testing. Allele origin: germline. Affected: yes.
Comment: Not observed at significant frequency in large population cohorts (gnomAD); In silico analysis supports that this missense variant does not alter protein structure/function; Has not been previously published as pathogenic or benign to our knowledge

NM_000744.7(CHRNA4):c.592G>A (p.Val198Met)

Gene: CHRNA4 (cholinergic receptor nicotinic alpha 4 subunit; minus strand). Cytogenetic location: 20q13.33.
Variant type: single nucleotide variant.
Coding change: c.592G>A on transcript NM_000744.7 (MANE Select); coding-DNA position 592, G replaced by A.
Protein change: p.Val198Met; replaces valine 198 with methionine.
Molecular consequence: missense variant. On other transcripts: non-coding transcript variant (1).
Genome position (GRCh38, 1-based): chr20:63,350,819, C>T on the plus strand (G>A on the coding strand, the complement: CHRNA4 is on the minus strand). VCF-style: chr20-63350819-C-T. GRCh37 (hg19) VCF-style: chr20-61982171-C-T.
Other names: c.64G>A, p.Val22Met (NM_001256573.2); short protein forms V198M, V22M.
Identifiers: ClinVar variation 2580074 (VCV002580074.1), dbSNP rs772720363, ClinGen allele CA9957769.
Genomic context (GRCh38, chr20:63,350,819, plus strand): 5'-AGGTGCCCACGGCATCCACGATGACCCACTCGCCACTCTCCCAGAAGTCCAGCTGGTCCA[C>T]GCGGCTGTGCATGTTCACCAGGTCGATCTTGGCCTTGTCGTAGGTCCAGGAGCCGAATTT-3'
Protein context (NP_000735.1, residues 188-208): KIDLVNMHSR[Val198Met]DQLDFWESGE